The following is an entry in ClinVar:

ClinVar aggregate classification (germline): Uncertain significance (1 of 4 stars; one submission).

Submission:

GeneDx
Classification: Uncertain significance. Last evaluated: 2025-02-27. Review status: criteria provided, single submitter. Criteria: GeneDx Variant Classification Process June 2021. Collection method: clinical testing. Allele origin: germline. Affected: yes.
Comment: Not observed at significant frequency in large population cohorts (gnomAD); In silico analysis indicates that this variant does not alter splicing; Has not been previously published as pathogenic or benign to our knowledge

NM_005631.5(SMO):c.219G>A (p.Leu73=)

Gene: SMO (smoothened, frizzled class receptor; plus strand). Cytogenetic location: 7q32.1.
Variant type: single nucleotide variant.
Coding change: c.219G>A on transcript NM_005631.5 (MANE Select); coding-DNA position 219, G replaced by A.
Protein change: p.Leu73=; no amino-acid change (leucine 73 retained).
Molecular consequence: synonymous variant.
Genome position (GRCh38, 1-based): chr7:129,189,370, G>A. VCF-style: chr7-129189370-G-A. GRCh37 (hg19) VCF-style: chr7-128829211-G-A.
Identifiers: ClinVar variation 4077219 (VCV004077219.1).